The following is an entry in ClinVar:

NM_004415.4(DSP):c.2962C>T (p.Pro988Ser)

Gene: DSP (desmoplakin; plus strand). Cytogenetic location: 6p24.3.
Variant type: single nucleotide variant.
Coding change: c.2962C>T on transcript NM_004415.4 (MANE Select); coding-DNA position 2962, C replaced by T.
Protein change: p.Pro988Ser; replaces proline 988 with serine.
Molecular consequence: missense variant.
Genome position (GRCh38, 1-based): chr6:7,577,863, C>T. VCF-style: chr6-7577863-C-T. GRCh37 (hg19) VCF-style: chr6-7578096-C-T.
Other names: c.2962C>T, p.Pro988Ser (NM_001008844.3, NM_001319034.2); short protein forms P988S.
Identifiers: ClinVar variation 1339298 (VCV001339298.5), dbSNP rs774742340, ClinGen allele CA036216.

ClinVar aggregate classification (germline): Conflicting classifications of pathogenicity. Review status: criteria provided, conflicting classifications (1 of 4 stars). 5 submissions from 5 submitters: Uncertain significance (4); Likely benign (1). Last evaluated 2025-09-04.

Conditions:
Lethal acantholytic epidermolysis bullosa (EBLA). Identifiers: Orphanet 158687, MedGen C1864826, MONDO:0012323, OMIM 609638.
Arrhythmogenic cardiomyopathy with wooly hair and keratoderma. Also called: Carvajal syndrome; Arrhythmogenic cardiomyopathy with woolly hair and keratoderma; Dilated cardiomyopathy with woolly hair and keratoderma; PALMOPLANTAR KERATODERMA WITH LEFT VENTRICULAR CARDIOMYOPATHY AND WOOLLY HAIR. Identifiers: Orphanet 65282, MedGen C1854063, MONDO:0011581, OMIM 605676.
Keratosis palmoplantaris striata 2. Also called: KERATODERMA, PALMOPLANTAR, STRIATE FORM II; STRIATE PALMOPLANTAR KERATODERMA II; Keratosis palmoplantaris striata II. Identifiers: MedGen C1852127, MONDO:0013034, OMIM 612908.
Cardiomyopathy, dilated, with wooly hair, keratoderma, and tooth agenesis. Also called: Cardiomyopathy, dilated, with woolly hair, keratoderma, and tooth agenesis; Erythrokeratodermia-cardiomyopathy syndrome. Identifiers: Orphanet 476096, Orphanet 65282, MedGen C4014393, MONDO:0014355, OMIM 615821.
Woolly hair-skin fragility syndrome (WHSF). Identifiers: Orphanet 293165, MedGen C1843292, MONDO:0957307, OMIM 620415.
Arrhythmogenic right ventricular dysplasia 8 (ARVD8). Also called: Arrhythmogenic Right Ventricular Dysplasia/Cardiomyopathy 8; ARRHYTHMOGENIC RIGHT VENTRICULAR DYSPLASIA, FAMILIAL, 8; ARRHYTHMOGENIC RIGHT VENTRICULAR CARDIOMYOPATHY 8. Identifiers: MedGen C1843896, MONDO:0011831, OMIM 607450.
Cardiomyopathy (CMYO). Also called: Cardiomyopathies. Identifiers: Orphanet 167848, MedGen C0878544, MONDO:0004994, HP:0001638. Inheritance: Various modes of inheritance.

Allele frequency attached by ClinVar (database versions not stated): gnomAD exomes below 0.00001; ExAC 0.00001; gnomAD 0.00001; TOPMed 0.00001.
gnomAD v4.1: 2 of 1,613,948 alleles (0.00012%); highest among the groups gnomAD compares: African/African-American, 0.0013%; no homozygotes.

Submissions (5):

Color Diagnostics, LLC DBA Color Health
Classification: Uncertain significance for Cardiomyopathy. Last evaluated: 2025-09-04. Review status: criteria provided, single submitter. Criteria: ACMG Guidelines, 2015. Collection method: clinical testing. Allele origin: germline.
Comment: This missense variant replaces proline with serine at codon 988 of the DSP protein. Computational prediction is inconclusive regarding the impact of this variant on protein structure and function. To our knowledge, functional studies have not been reported for this variant. This variant has not been reported in individuals affected with DSP-related disorders in the literature. This variant has been identified in 1/251424 chromosomes in the general population by the Genome Aggregation Database (gnomAD). The available evidence is insufficient to determine the role of this variant in disease conclusively. Therefore, this variant is classified as a Variant of Uncertain Significance.

Labcorp Genetics (formerly Invitae), Labcorp
Classification: Likely benign for Arrhythmogenic cardiomyopathy with wooly hair and keratoderma; Arrhythmogenic right ventricular dysplasia 8. Last evaluated: 2025-05-04. Review status: criteria provided, single submitter. Criteria: Invitae Variant Classification Sherloc (09022015). Collection method: clinical testing. Allele origin: germline.

All of Us Research Program, National Institutes of Health
Classification: Uncertain significance for Arrhythmogenic cardiomyopathy with wooly hair and keratoderma. Last evaluated: 2023-05-16. Review status: criteria provided, single submitter. Criteria: ACMG Guidelines, 2015. Collection method: clinical testing. Allele origin: germline. Inheritance: Autosomal dominant inheritance. Observed: 2 variant alleles, 2 heterozygotes.
Comment: This missense variant replaces proline with serine at codon 988 of the DSP protein. Computational prediction is inconclusive regarding the impact of this variant on protein structure and function (internally defined REVEL score threshold 0.5 < inconclusive < 0.7, PMID: 27666373). To our knowledge, functional studies have not been reported for this variant. This variant has not been reported in individuals affected with DSP-related disorders in the literature. This variant has been identified in 1/251424 chromosomes in the general population by the Genome Aggregation Database (gnomAD). The available evidence is insufficient to determine the role of this variant in disease conclusively. Therefore, this variant is classified as a Variant of Uncertain Significance.

This study involves interpretation of variants in research participants for the purpose of population health screening. Participant phenotype was not available at the time of variant classification. Additional details can be found in publication PMID: 35346344, PMCID: PMC8962531

Phosphorus, Inc.
Classification: Uncertain significance. Last evaluated: 2022-01-14. Review status: criteria provided, single submitter. Criteria: ACMG Guidelines, 2015. Collection method: clinical testing. Allele origin: germline. Inheritance: Autosomal dominant inheritance.
Comment: This missense variant results in an amino acid substitution of Proline with Serine at codon 988 of the DSP gene (transcript: NM_000540.2). This variant does not have an entry in ClinVar. This variant occurred in gnomAD with a total MAF of 0.0004% and with the highest MAF of 0.0065% in the African population. This position is conserved. In silico functional algorithms disagree and predict this variant to be probably damaging (PolyPhen) and tolerated (SIFT). However, no functional studies were performed to confirm either of those predictions. The variant has not occurred in the literature in association with the disease. Considering that this is a rare variant and the available evidence is not enough to ascertain its role in disease, it has been classified as Variant of Uncertain Significance.

Fulgent Genetics
Classification: Uncertain significance for Arrhythmogenic cardiomyopathy with wooly hair and keratoderma; Arrhythmogenic right ventricular dysplasia 8; Lethal acantholytic epidermolysis bullosa; Keratosis palmoplantaris striata 2; Cardiomyopathy, dilated, with wooly hair, keratoderma, and tooth agenesis. Last evaluated: 2021-08-10. Review status: criteria provided, single submitter. Criteria: ACMG Guidelines, 2015. Collection method: clinical testing. Allele origin: unknown.